The following is an entry in ClinVar:

ClinVar aggregate classification (germline): Uncertain significance (1 of 4 stars; one submission).

Conditions:
PLXNA1-related disorder. Also called: PLXNA1-related condition.

gnomAD v4.1: 1 of 1,605,102 alleles (0.000062%); highest among the groups gnomAD compares: Non-Finnish European, 0.000085%; no homozygotes.

Submission:

PreventionGenetics, part of Exact Sciences
Classification: Uncertain significance for PLXNA1-related condition. Last evaluated: 2026-05-01. Review status: criteria provided, single submitter. Criteria: ACMG Guidelines, 2015. Collection method: clinical testing. Allele origin: germline.
Comment: The PLXNA1 c.5619T>A variant is predicted to result in the amino acid substitution p.Asp1873Glu. To our knowledge, this variant has not been reported in the literature or in a large population database (gnomAD), indicating this variant is rare. At this time, the clinical significance of this variant is uncertain due to the absence of conclusive functional and genetic evidence.

NM_032242.4(PLXNA1):c.5619T>A (p.Asp1873Glu)

Gene: PLXNA1 (plexin A1; plus strand). Cytogenetic location: 3q21.3.
Variant type: single nucleotide variant.
Coding change: c.5619T>A on transcript NM_032242.4 (MANE Select); coding-DNA position 5619, T replaced by A.
Protein change: p.Asp1873Glu; replaces aspartic acid 1873 with glutamic acid.
Molecular consequence: missense variant.
Genome position (GRCh38, 1-based): chr3:127,033,945, T>A. VCF-style: chr3-127033945-T-A. GRCh37 (hg19) VCF-style: chr3-126752788-T-A.
Other names: short protein forms D1873E.
Identifiers: ClinVar variation 4984328 (VCV004984328.1).
Genomic context (GRCh38, chr3:127,033,945, plus strand): 5'-GTGGCCCGGCATGCTGACAGTTCTCCTGGCCCTGCAGATCCTGGCAGCCCTGGAGAAGGA[T>A]GAGCAGGCGCGGCGGCAGCGGCTGCGGAGCAAGCTGGAGCAGGTGGTGGACACGATGGCC-3'
Protein context (NP_115618.3, residues 1863-1883): KDEILAALEK[Asp1873Glu]EQARRQRLRS